The following is an entry in ClinVar:

NM_003482.4(KMT2D):c.6114G>A (p.Trp2038Ter)

Gene: KMT2D (lysine methyltransferase 2D; minus strand). Cytogenetic location: 12q13.12.
Variant type: single nucleotide variant.
Coding change: c.6114G>A on transcript NM_003482.4 (MANE Select); coding-DNA position 6114, G replaced by A.
Protein change: p.Trp2038Ter; replaces tryptophan 2038 with a stop codon.
Molecular consequence: nonsense.
Genome position (GRCh38, 1-based): chr12:49,041,986, C>T on the plus strand (G>A on the coding strand, the complement: KMT2D is on the minus strand). VCF-style: chr12-49041986-C-T. GRCh37 (hg19) VCF-style: chr12-49435769-C-T.
Other names: short protein forms W2038*.
Identifiers: ClinVar variation 659178 (VCV000659178.8), dbSNP rs1592138822, ClinGen allele CA384626456.

ClinVar aggregate classification (germline): Pathogenic. Review status: criteria provided, single submitter (1 of 4 stars). 2 submissions from 2 submitters: Pathogenic (1). 1 of the submissions does not count toward it. Last evaluated 2024-04-24.

Conditions:
Kabuki syndrome. Also called: NIIKAWA-KUROKI SYNDROME; Kabuki make-up syndrome. Identifiers: Orphanet 2322, MedGen C0796004, MONDO:0016512.
Kabuki syndrome 1 (KABUK1). Also called: KMT2D-Related Kabuki Syndrome. Identifiers: Orphanet 2322, MedGen CN030661, MONDO:0007843, OMIM 147920.

Submissions (2):

Labcorp Genetics (formerly Invitae), Labcorp
Classification: Pathogenic for Kabuki syndrome. Last evaluated: 2024-04-24. Review status: criteria provided, single submitter. Criteria: Invitae Variant Classification Sherloc (09022015). Collection method: clinical testing. Allele origin: germline.
Comment: This sequence change creates a premature translational stop signal (p.Trp2038*) in the KMT2D gene. It is expected to result in an absent or disrupted protein product. Loss-of-function variants in KMT2D are known to be pathogenic (PMID: 22126750). This variant is not present in population databases (gnomAD no frequency). This premature translational stop signal has been observed in individual(s) with Kabuki syndrome (PMID: 31363182). ClinVar contains an entry for this variant (Variation ID: 659178). For these reasons, this variant has been classified as Pathogenic.

Autoinflammatory diseases unit, CHU de Montpellier
Classification: Likely pathogenic for Kabuki syndrome 1. Last evaluated: 2017-04-05. Review status: no assertion criteria provided. Collection method: clinical testing. Allele origin: unknown. Affected: yes. Not counted in ClinVar's aggregate classification.

Literature cited by the submitters: PubMed 22126750 (cited by Labcorp Genetics (formerly Invitae), Labcorp); PubMed 31363182 (cited by Labcorp Genetics (formerly Invitae), Labcorp).